The following is an entry in ClinVar:

ClinVar aggregate classification (germline): Conflicting classifications of pathogenicity. Review status: criteria provided, conflicting classifications (1 of 4 stars). 5 submissions from 5 submitters: Uncertain significance (4); Likely benign (1). Last evaluated 2024-11-19.

Conditions:
Hereditary cancer-predisposing syndrome. Also called: Hereditary neoplastic syndrome; Neoplastic Syndromes, Hereditary; Tumor predisposition; Hereditary Cancer Syndrome. Identifiers: Orphanet 140162, MedGen C0027672, MeSH D009386, MONDO:0015356.
BAP1-related tumor predisposition syndrome (TPDS1). Also called: BAP1 tumor predisposition syndrome; Tumor susceptibility linked to germline BAP1 mutations; COMMON Syndrome; TUMOR PREDISPOSITION SYNDROME 1. Identifiers: Orphanet 289539, MedGen C3280492, MONDO:0013692, OMIM 614327.

Allele frequency attached by ClinVar (database versions not stated): TOPMed below 0.00001; ExAC 0.00001; gnomAD 0.00001; gnomAD exomes 0.00001.
gnomAD v4.1: 16 of 1,614,012 alleles (0.00099%); highest among the groups gnomAD compares: East Asian, 0.036%; no homozygotes.

Submissions (5):

Labcorp Genetics (formerly Invitae), Labcorp
Classification: Uncertain significance for BAP1-related tumor predisposition syndrome. Last evaluated: 2024-11-19. Review status: criteria provided, single submitter. Criteria: Invitae Variant Classification Sherloc (09022015). Collection method: clinical testing. Allele origin: germline.
Comment: This sequence change replaces aspartic acid, which is acidic and polar, with glycine, which is neutral and non-polar, at codon 403 of the BAP1 protein (p.Asp403Gly). This variant is present in population databases (rs746308215, gnomAD 0.02%). This variant has not been reported in the literature in individuals affected with BAP1-related conditions. ClinVar contains an entry for this variant (Variation ID: 836127). Invitae Evidence Modeling of protein sequence and biophysical properties (such as structural, functional, and spatial information, amino acid conservation, physicochemical variation, residue mobility, and thermodynamic stability) indicates that this missense variant is not expected to disrupt BAP1 protein function with a negative predictive value of 80%. In summary, the available evidence is currently insufficient to determine the role of this variant in disease. Therefore, it has been classified as a Variant of Uncertain Significance.

Baylor Genetics
Classification: Uncertain significance for BAP1-related tumor predisposition syndrome. Last evaluated: 2023-06-06. Review status: criteria provided, single submitter. Criteria: ACMG Guidelines, 2015. Collection method: clinical testing. Allele origin: unknown.

Ambry Genetics
Classification: Likely benign for Hereditary cancer-predisposing syndrome. Last evaluated: 2022-02-28. Review status: criteria provided, single submitter. Criteria: Ambry Variant Classification Scheme 2023. Collection method: clinical testing. Allele origin: germline.

GeneDx
Classification: Uncertain significance. Last evaluated: 2019-05-02. Review status: criteria provided, single submitter. Criteria: GeneDx Variant Classification Process June 2021. Collection method: clinical testing. Allele origin: germline. Affected: yes.
Comment: Not observed at a significant frequency in large population cohorts (Lek et al., 2016); In silico analysis, which includes protein predictors and evolutionary conservation, supports that this variant does not alter protein structure/function; Has not been previously published as pathogenic or benign to our knowledge

Color Diagnostics, LLC DBA Color Health
Classification: Uncertain significance for Hereditary cancer-predisposing syndrome. Last evaluated: 2019-02-28. Review status: criteria provided, single submitter. Criteria: ACMG Guidelines, 2015. Collection method: clinical testing. Allele origin: germline.

NM_004656.4(BAP1):c.1208A>G (p.Asp403Gly)

Gene: BAP1 (BRCA1 associated deubiquitinase 1; minus strand). Cytogenetic location: 3p21.1.
Variant type: single nucleotide variant.
Coding change: c.1208A>G on transcript NM_004656.4 (MANE Select); coding-DNA position 1208, A replaced by G.
Protein change: p.Asp403Gly; replaces aspartic acid 403 with glycine.
Molecular consequence: missense variant.
Genome position (GRCh38, 1-based): chr3:52,404,495, T>C on the plus strand (A>G on the coding strand, the complement: BAP1 is on the minus strand). VCF-style: chr3-52404495-T-C. GRCh37 (hg19) VCF-style: chr3-52438511-T-C.
Other names: short protein forms D403G.
Identifiers: ClinVar variation 836127 (VCV000836127.12), dbSNP rs746308215, ClinGen allele CA2436876.